The following is an entry in ClinVar:

ClinVar aggregate classification (germline): Uncertain significance (1 of 4 stars; one submission).

Submission:

GeneDx
Classification: Uncertain significance. Last evaluated: 2022-07-06. Review status: criteria provided, single submitter. Criteria: GeneDx Variant Classification Process June 2021. Collection method: clinical testing. Allele origin: germline. Affected: yes.
Comment: Not observed at significant frequency in large population cohorts (gnomAD); In silico analysis supports a deleterious effect on splicing; Has not been previously published as pathogenic or benign to our knowledge

NM_001376.5(DYNC1H1):c.12102G>A (p.Glu4034=)

Gene: DYNC1H1 (dynein cytoplasmic 1 heavy chain 1; plus strand). Cytogenetic location: 14q32.31.
Variant type: single nucleotide variant.
Coding change: c.12102G>A on transcript NM_001376.5 (MANE Select); coding-DNA position 12102, G replaced by A.
Protein change: p.Glu4034=; no amino-acid change (glutamic acid 4034 retained).
Molecular consequence: synonymous variant.
Genome position (GRCh38, 1-based): chr14:102,041,734, G>A. VCF-style: chr14-102041734-G-A. GRCh37 (hg19) VCF-style: chr14-102508071-G-A.
Identifiers: ClinVar variation 1810702 (VCV001810702.1), dbSNP rs2503856184, ClinGen allele CA487968853.